The following is an entry in ClinVar:

NM_000091.5(COL4A3):c.4819G>T (p.Glu1607Ter)

Genes: COL4A3 (collagen type IV alpha 3 chain; plus strand), MFF-DT (MFF divergent transcript; minus strand). Cytogenetic location: 2q36.3.
Variant type: single nucleotide variant.
Coding change: c.4819G>T on transcript NM_000091.5 (MANE Select); coding-DNA position 4819, G replaced by T.
Protein change: p.Glu1607Ter; replaces glutamic acid 1607 with a stop codon.
Molecular consequence: nonsense.
Genome position (GRCh38, 1-based): chr2:227,310,839, G>T. VCF-style: chr2-227310839-G-T. GRCh37 (hg19) VCF-style: chr2-228175555-G-T.
Other names: short protein forms E1607*.
Identifiers: ClinVar variation 447173 (VCV000447173.14), dbSNP rs764046610, ClinGen allele CA2147660.

ClinVar aggregate classification (germline): Pathogenic/Likely pathogenic. Review status: criteria provided, multiple submitters, no conflicts (2 of 4 stars). 6 submissions from 6 submitters: Pathogenic (2); Likely pathogenic (3). 1 of the submissions does not count toward it. Last evaluated 2025-06-12.

Conditions:
COL4A3-related disorder. Also called: COL4A3-related condition; COL4A3-Related Disorders.
Alport syndrome 3b, autosomal recessive. Identifiers: MedGen C5882699, MONDO:0957811, OMIM 620536.
Hematuria, benign familial, 2 (BFH2). Identifiers: MedGen C5830421, MONDO:0958186, OMIM 620320.
Autosomal dominant Alport syndrome (ATS3A). Also called: ALPORT SYNDROME 3A, AUTOSOMAL DOMINANT; Alport syndrome dominant type; Renal failure and sensorineural hearing loss. Identifiers: Orphanet 63, Orphanet 88918, MedGen C5882663, MONDO:0007086, OMIM 104200.
Alport syndrome. Also called: Hemorrhagic familial nephritis; Hemorrhagic hereditary nephritis; Congenital hereditary hematuria. Identifiers: Orphanet 63, MedGen C1567741, MONDO:0018965.

Allele frequency attached by ClinVar (database versions not stated): gnomAD exomes below 0.00001; ExAC 0.00001; gnomAD 0.00003 and 0.00004; TOPMed 0.00004.
gnomAD v4.1: 8 of 1,614,056 alleles (0.0005%); highest among the groups gnomAD compares: African/African-American, 0.011%; no homozygotes.

Submissions (6):

Labcorp Genetics (formerly Invitae), Labcorp
Classification: Pathogenic. Last evaluated: 2025-06-12. Review status: criteria provided, single submitter. Criteria: Invitae Variant Classification Sherloc (09022015). Collection method: clinical testing. Allele origin: germline.
Comment: This sequence change creates a premature translational stop signal (p.Glu1607*) in the COL4A3 gene. It is expected to result in an absent or disrupted protein product. Loss-of-function variants in COL4A3 are known to be pathogenic (PMID: 8956999, 24854265, 26809805, 27281700). This variant is present in population databases (rs764046610, gnomAD 0.01%). This variant has not been reported in the literature in individuals affected with COL4A3-related conditions. ClinVar contains an entry for this variant (Variation ID: 447173). Algorithms developed to predict the effect of sequence changes on RNA splicing suggest that this variant may disrupt the consensus splice site. For these reasons, this variant has been classified as Pathogenic.

Natera, Inc.
Classification: Likely pathogenic for Alport syndrome. Last evaluated: 2024-10-10. Review status: criteria provided, single submitter. Criteria: Natera Variant Classification Schema (03/2026). Collection method: clinical testing. Allele origin: germline.
Comment: The c.4819G>T variant in COL4A3 is a nonsense variant predicted to introduce a stop codon at amino acid 1607. This variant is expected to result in nonsense mediated decay, truncation, or a dysfunctional protein product. This variant is rare in the general population with a frequency below the threshold expected for the associated phenotype(s). Given the available evidence, this variant is classified as Likely Pathogenic.

Fulgent Genetics
Classification: Likely pathogenic for Autosomal dominant Alport syndrome; Hematuria, benign familial, 2; Alport syndrome 3b, autosomal recessive. Last evaluated: 2024-05-09. Review status: criteria provided, single submitter. Criteria: ACMG Guidelines, 2015. Collection method: clinical testing. Allele origin: germline.

Athena Diagnostics
Classification: Pathogenic. Last evaluated: 2022-01-06. Review status: criteria provided, single submitter. Criteria: Athena Diagnostics Criteria. Collection method: clinical testing. Allele origin: unknown.
Comment: This variant is expected to result in the loss of a functional protein. The frequency of this variant in the general population is consistent with pathogenicity. This variant has been identified in at least one individual with clinical features associated with this gene.

Blueprint Genetics
Classification: Likely pathogenic for COL4A3-related disorders. Last evaluated: 2017-11-20. Review status: criteria provided, single submitter. Criteria: ACMG Guidelines, 2015. Collection method: clinical testing. Allele origin: germline. Affected: yes. Observed: 1 variant allele.

PreventionGenetics, part of Exact Sciences
Classification: Likely pathogenic for COL4A3-related condition. Last evaluated: 2024-08-30. Review status: no assertion criteria provided. Collection method: clinical testing. Allele origin: germline. Not counted in ClinVar's aggregate classification.
Comment: The COL4A3 c.4819G>T variant is predicted to result in premature protein termination (p.Glu1607*). To our knowledge, this variant has not been reported in the literature. Nonsense variants in COL4A3 are expected to be pathogenic. While this variant is in the penultimate exon, which increases the potential it may escape nonsense mediated decay, a downstream early termination variant (c.4825C>T; p.Arg1609*) has been reported as causative in the literature and ClinVar database (Table S9, Warejko et al. 2018. PubMed ID: 29127259). This variant is reported in 0.012% of alleles in individuals of African descent in gnomAD. This variant is interpreted as likely pathogenic.

Literature cited by the submitters: PubMed 8956999 (cited by Labcorp Genetics (formerly Invitae), Labcorp); PubMed 24854265 (cited by Labcorp Genetics (formerly Invitae), Labcorp); PubMed 26809805 (cited by Labcorp Genetics (formerly Invitae), Labcorp); PubMed 27281700 (cited by Labcorp Genetics (formerly Invitae), Labcorp).